The following is an entry in ClinVar:

ClinVar aggregate classification (germline): Pathogenic. Review status: criteria provided, single submitter (1 of 4 stars). 2 submissions from 2 submitters: Pathogenic (1). 1 of the submissions does not count toward it. Last evaluated 2025-10-05.

Conditions:
Hereditary hyperekplexia. Identifiers: Orphanet 3197, MedGen C4084968, MONDO:0021022.
Hyperekplexia 1 (STHE). Also called: KOK DISEASE; STARTLE DISEASE, FAMILIAL; STIFF-BABY SYNDROME; STIFF-MAN SYNDROME, CONGENITAL; STIFF-PERSON SYNDROME, CONGENITAL; HYPEREKPLEXIA 1, AUTOSOMAL DOMINANT. Identifiers: Orphanet 3197, MedGen C4551954, MONDO:0007868, OMIM 149400.

Allele frequency attached by ClinVar (database versions not stated): gnomAD exomes 0.00001.

Submissions (2):

Labcorp Genetics (formerly Invitae), Labcorp
Classification: Pathogenic for Hereditary hyperekplexia. Last evaluated: 2025-10-05. Review status: criteria provided, single submitter. Criteria: Invitae Variant Classification Sherloc (09022015). Collection method: clinical testing. Allele origin: germline.
Comment: This sequence change replaces arginine, which is basic and polar, with glutamine, which is neutral and polar, at codon 246 of the GLRA1 protein (p.Arg246Gln). This variant is present in population databases (rs281864916, gnomAD 0.003%). This missense change has been observed in individual(s) with hyperekplexia (PMID: 12746425). In at least one individual the variant was observed to be de novo. This variant is also known as R218Q. ClinVar contains an entry for this variant (Variation ID: 38329). Invitae Evidence Modeling of protein sequence and biophysical properties (such as structural, functional, and spatial information, amino acid conservation, physicochemical variation, residue mobility, and thermodynamic stability) indicates that this missense variant is expected to disrupt GLRA1 protein function with a positive predictive value of 80%. For these reasons, this variant has been classified as Pathogenic.

GeneReviews
Classification: Pathogenic for Hyperekplexia. Last evaluated: 2012-10-04. Review status: no assertion criteria provided. Collection method: curation. Allele origin: unknown. Not counted in ClinVar's aggregate classification.
ClinVar note: Converted during submission from pathologic to Pathogenic.

Literature cited by the submitters: PubMed 12746425 (cited by Labcorp Genetics (formerly Invitae), Labcorp).

NM_000171.4(GLRA1):c.737G>A (p.Arg246Gln)

Gene: GLRA1 (glycine receptor alpha 1; minus strand). Cytogenetic location: 5q33.1.
Variant type: single nucleotide variant.
Coding change: c.737G>A on transcript NM_000171.4 (MANE Select); coding-DNA position 737, G replaced by A.
Protein change: p.Arg246Gln; replaces arginine 246 with glutamine.
Molecular consequence: missense variant.
Genome position (GRCh38, 1-based): chr5:151,851,565, C>T on the plus strand (G>A on the coding strand, the complement: GLRA1 is on the minus strand). VCF-style: chr5-151851565-C-T. GRCh37 (hg19) VCF-style: chr5-151231126-C-T.
Other names: G1030A; c.737G>A, p.Arg246Gln (NM_001146040.2); c.488G>A, p.Arg163Gln (NM_001292000.2); short protein forms R246Q, R163Q.
Identifiers: ClinVar variation 38329 (VCV000038329.11), dbSNP rs281864916, ClinGen allele CA342953.